The following is an entry in ClinVar:

NM_002294.3(LAMP2):c.63G>C (p.Leu21=)

Gene: LAMP2 (lysosome associated membrane protein 2; minus strand). Cytogenetic location: Xq24.
Variant type: single nucleotide variant.
Coding change: c.63G>C on transcript NM_002294.3 (MANE Select); coding-DNA position 63, G replaced by C.
Protein change: p.Leu21=; no amino-acid change (leucine 21 retained).
Molecular consequence: synonymous variant.
Genome position (GRCh38, 1-based): chrX:120,469,107, C>G on the plus strand (G>C on the coding strand, the complement: LAMP2 is on the minus strand). VCF-style: chrX-120469107-C-G. GRCh37 (hg19) VCF-style: chrX-119602962-C-G.
Other names: c.63G>C, p.Leu21= (NM_001122606.1, NM_013995.2).
Identifiers: ClinVar variation 3658865 (VCV003658865.2).

ClinVar aggregate classification (germline): Uncertain significance (1 of 4 stars; one submission).

Conditions:
Danon disease. Also called: Glycogen Storage Disease Type IIb; ANTOPOL DISEASE; PSEUDOGLYCOGENOSIS II; GSD IIb; LYSOSOMAL GLYCOGEN STORAGE DISEASE WITHOUT ACID MALTASE DEFICIENCY. Identifiers: Orphanet 34587, MedGen C0878677, MONDO:0010281, OMIM 300257.

Submission:

Labcorp Genetics (formerly Invitae), Labcorp
Classification: Uncertain significance for Danon disease. Last evaluated: 2024-07-06. Review status: criteria provided, single submitter. Criteria: Invitae Variant Classification Sherloc (09022015). Collection method: clinical testing. Allele origin: germline.
Comment: This sequence change affects codon 21 of the LAMP2 mRNA. It is a 'silent' change, meaning that it does not change the encoded amino acid sequence of the LAMP2 protein. It affects a nucleotide within the consensus splice site. This variant is not present in population databases (gnomAD no frequency). This variant has not been reported in the literature in individuals affected with LAMP2-related conditions. Algorithms developed to predict the effect of sequence changes on RNA splicing suggest that this variant is not likely to affect RNA splicing. In summary, the available evidence is currently insufficient to determine the role of this variant in disease. Therefore, it has been classified as a Variant of Uncertain Significance.